The following is an entry in ClinVar:

ClinVar aggregate classification (germline): Likely benign (1 of 4 stars; one submission).

Allele frequency attached by ClinVar (database versions not stated): 1000 Genomes Project 0.00040; 1000 Genomes Project 30x 0.00047; TOPMed 0.00083; ESP Exome Variant Server 0.00138; ExAC 0.00140; gnomAD 0.00140; gnomAD exomes 0.00154.
gnomAD v4.1: 2,432 of 1,612,688 alleles (0.15%); highest among the groups gnomAD compares: Non-Finnish European, 0.16%; 3 homozygotes.

Submission:

CeGaT Center for Human Genetics Tuebingen
Classification: Likely benign. Last evaluated: 2022-06-01. Review status: criteria provided, single submitter. Criteria: CeGaT Center For Human Genetics Tuebingen Variant Classification Criteria Version 2. Collection method: clinical testing. Allele origin: germline. Affected: yes. Observed: 1 variant allele.
Comment: BRME1: BP4, BP7

NM_001345843.2(BRME1):c.912G>A (p.Val304=)

Gene: BRME1 (break repair meiotic recombinase recruitment factor 1; minus strand). Cytogenetic location: 19p13.12.
Variant type: single nucleotide variant.
Coding change: c.912G>A on transcript NM_001345843.2 (MANE Select); coding-DNA position 912, G replaced by A.
Protein change: p.Val304=; no amino-acid change (valine 304 retained).
Molecular consequence: synonymous variant. On other transcripts: intron variant (2).
Genome position (GRCh38, 1-based): chr19:13,889,944, C>T on the plus strand (G>A on the coding strand, the complement: BRME1 is on the minus strand). VCF-style: chr19-13889944-C-T. GRCh37 (hg19) VCF-style: chr19-14000757-C-T.
Other names: c.912G>A, p.Val304= (NM_001345844.2, NM_001393645.1, NM_001393646.1 and 1 more transcripts); c.558G>A, p.Val186= (NM_001345846.2, NM_001345847.2, NM_001393647.1); c.393+2842G>A (NM_001393648.1, NM_001345848.2).
Identifiers: ClinVar variation 2649404 (VCV002649404.24), dbSNP rs139071536, ClinGen allele CA9243826.